The following is an entry in ClinVar:

ClinVar aggregate classification (germline): Pathogenic (1 of 4 stars; one submission).

Conditions:
Epileptic encephalopathy, infantile or early childhood (IECEE). Identifiers: MedGen CN263091, MONDO:0020627.

Submission:

Broad Center for Mendelian Genomics, Broad Institute of MIT and Harvard
Classification: Pathogenic for Epileptic encephalopathy, infantile or early childhood. Last evaluated: 2023-05-02. Review status: criteria provided, single submitter. Criteria: ACMG Guidelines, 2015. Collection method: curation. Allele origin: germline. Inheritance: Autosomal dominant inheritance.
Comment: Trio exome analysis showed this variant to be de novo. The c.1177-2A>C variant in SCN2A has not been previously reported in individuals with developmental and infantile epileptic encephalopathy 11. This variant was absent from large population studies. This variant is located in the 3' splice region. Computational tools do suggest an impact to splicing. However, this information is not predictive enough to determine pathogenicity. Heterozygous loss of function of the SCN2A gene is an established disease mechanism in developmental and infantile epileptic encephalopathy 11. In summary, this variant meets criteria to be classified as pathogenic for autosomal dominant developmental and infantile epileptic encephalopathy 11. ACMG/AMP Criteria applied: PVS1, PS2_Supporting, PM2_Supporting (Richards 2015).

NM_001040142.2(SCN2A):c.1177-2A>C

Gene: SCN2A (sodium voltage-gated channel alpha subunit 2; plus strand). Cytogenetic location: 2q24.3.
Variant type: single nucleotide variant.
Coding change: c.1177-2A>C on transcript NM_001040142.2 (MANE Select); the canonical splice acceptor site of the intron before coding-DNA position 1177, A replaced by C.
Molecular consequence: splice acceptor variant.
Genome position (GRCh38, 1-based): chr2:165,313,900, A>C. VCF-style: chr2-165313900-A-C. GRCh37 (hg19) VCF-style: chr2-166170410-A-C.
Other names: NM_021007.3:c.1177-2A>C; c.1177-2A>C (NM_001040143.2, NM_001371246.1, NM_001371247.1 and 1 more transcripts).
Identifiers: ClinVar variation 2500963 (VCV002500963.1), dbSNP rs2467902376, ClinGen allele CA349021396.